The following is an entry in ClinVar:

ClinVar aggregate classification (germline): Likely benign. Review status: criteria provided, multiple submitters, no conflicts (2 of 4 stars). 2 submissions from 2 submitters: Likely benign (2). Last evaluated 2026-03-01.

Allele frequency attached by ClinVar (database versions not stated): gnomAD 0.00002 and 0.00003; gnomAD exomes 0.00003 and 0.00021; TOPMed 0.00005; ExAC 0.00026.
gnomAD v4.1: 43 of 1,464,040 alleles (0.0029%); highest among the groups gnomAD compares: Admixed American, 0.1%; no homozygotes.

Submissions (2):

CeGaT Center for Human Genetics Tuebingen
Classification: Likely benign. Last evaluated: 2026-03-01. Review status: criteria provided, single submitter. Criteria: CeGaT Center For Human Genetics Tuebingen Variant Classification Criteria Version 2. Collection method: clinical testing. Allele origin: germline. Affected: yes. Observed: 1 variant allele.
Comment: DLG4: BP4, BP7

Labcorp Genetics (formerly Invitae), Labcorp
Classification: Likely benign. Last evaluated: 2018-03-29. Review status: criteria provided, single submitter. Criteria: Invitae Variant Classification Sherloc (09022015). Collection method: clinical testing. Allele origin: germline.

NM_001321075.3(DLG4):c.1974G>A (p.Val658=)

Gene: DLG4 (discs large MAGUK scaffold protein 4; minus strand). Cytogenetic location: 17p13.1.
Variant type: single nucleotide variant.
Coding change: c.1974G>A on transcript NM_001321075.3 (MANE Select); coding-DNA position 1974, G replaced by A.
Protein change: p.Val658=; no amino-acid change (valine 658 retained).
Molecular consequence: synonymous variant.
Genome position (GRCh38, 1-based): chr17:7,191,895, C>T on the plus strand (G>A on the coding strand, the complement: DLG4 is on the minus strand). VCF-style: chr17-7191895-C-T. GRCh37 (hg19) VCF-style: chr17-7095214-C-T.
Other names: c.1965G>A, p.Val655= (NM_001128827.4); c.2094G>A, p.Val698= (NM_001321074.1); c.1794G>A, p.Val598= (NM_001321076.3, NM_001321077.3); c.2103G>A, p.Val701= (NM_001365.5); c.1893G>A, p.Val631= (NM_001369566.3).
Identifiers: ClinVar variation 737883 (VCV000737883.7), dbSNP rs759932966, ClinGen allele CA8336794.